The following is an entry in ClinVar:

NM_002474.3(MYH11):c.418G>A (p.Asp140Asn)

Gene: MYH11 (myosin heavy chain 11; minus strand). Cytogenetic location: 16p13.11.
Variant type: single nucleotide variant.
Coding change: c.418G>A on transcript NM_002474.3 (MANE Select); coding-DNA position 418, G replaced by A.
Protein change: p.Asp140Asn; replaces aspartic acid 140 with asparagine.
Molecular consequence: missense variant.
Genome position (GRCh38, 1-based): chr16:15,823,339, C>T on the plus strand (G>A on the coding strand, the complement: MYH11 is on the minus strand). VCF-style: chr16-15823339-C-T. GRCh37 (hg19) VCF-style: chr16-15917196-C-T.
Other names: c.418G>A, p.Asp140Asn (NM_001040113.2, NM_001040114.2, NM_022844.3); short protein forms D140N.
Identifiers: ClinVar variation 426591 (VCV000426591.18), dbSNP rs1085307699, ClinGen allele CA394882477.
Genomic context (GRCh38, chr16:15,823,339, plus strand): 5'-TGTCTGCGATGGCGTAGATGTGAGGCGGCATCTCGTGCCTCTTCTTGCCCTTGTACATGT[C>T]GACGATCTTCTCCGAGTAGATGGGCAGGTGTTTATAGGGGTTGACCACCACGCAGAAGAG-3'
Protein context (NP_002465.1, residues 130-150): HLPIYSEKIV[Asp140Asn]MYKGKKRHEM

ClinVar aggregate classification (germline): Uncertain significance. Review status: criteria provided, multiple submitters, no conflicts (2 of 4 stars). 7 submissions from 7 submitters: Uncertain significance (7). Last evaluated 2026-04-09.

Conditions:
Connective tissue disorder. Also called: Connective tissue disease. Identifiers: MedGen C0009782, MONDO:0003900.
Aortic aneurysm, familial thoracic 4 (AAT4). Also called: AORTIC ANEURYSM/AORTIC DISSECTION AND PATENT DUCTUS ARTERIOSUS. Identifiers: MedGen C1851504, MONDO:0007568, OMIM 132900.
Visceral myopathy 2. Identifiers: MedGen C5543466, MONDO:0859157, OMIM 619350.
Megacystis-microcolon-intestinal hypoperistalsis syndrome 2. Identifiers: MedGen C5543476, MONDO:0025708, OMIM 619351.
Familial thoracic aortic aneurysm and aortic dissection (TAAD). Also called: Thoracic aortic aneurysms and dissections. Identifiers: Orphanet 91387, MedGen C4707243, MONDO:0019625.

Allele frequency attached by ClinVar (database versions not stated): TOPMed 0.00003; gnomAD 0.00001; gnomAD exomes 0.00001.

Submissions (7):

Petrovsky National Research Centre of Surgery, The Federal Agency for Scientific Organizations
Classification: Uncertain significance for Connective tissue disorder. Last evaluated: 2026-04-09. Review status: criteria provided, single submitter. Criteria: ACMG Guidelines, 2015. Collection method: clinical testing. Allele origin: germline. Affected: yes. Observed: 1 variant allele.
Comment: The variant is in The Genome Aggregation Database (gnomAD) v4.1.0 with total 3.098e-05. (Date of access 2026-04-09). In accordance with ACMG (2015) criteria this variant is classified as Uncertain significance with following criteria selected: PM2.

Labcorp Genetics (formerly Invitae), Labcorp
Classification: Uncertain significance for Aortic aneurysm, familial thoracic 4. Last evaluated: 2025-10-23. Review status: criteria provided, single submitter. Criteria: Invitae Variant Classification Sherloc (09022015). Collection method: clinical testing. Allele origin: germline.
Comment: This sequence change replaces aspartic acid, which is acidic and polar, with asparagine, which is neutral and polar, at codon 140 of the MYH11 protein (p.Asp140Asn). This variant is present in population databases (no rsID available, gnomAD 0.004%). This missense change has been observed in individuals with clinical features of MYH11-related conditions (internal data). ClinVar contains an entry for this variant (Variation ID: 426591). Invitae Evidence Modeling of protein sequence and biophysical properties (such as structural, functional, and spatial information, amino acid conservation, physicochemical variation, residue mobility, and thermodynamic stability) indicates that this missense variant is not expected to disrupt MYH11 protein function with a negative predictive value of 95%. In summary, the available evidence is currently insufficient to determine the role of this variant in disease. Therefore, it has been classified as a Variant of Uncertain Significance.

Ambry Genetics
Classification: Uncertain significance for Familial thoracic aortic aneurysm and aortic dissection. Last evaluated: 2024-09-14. Review status: criteria provided, single submitter. Criteria: Ambry Variant Classification Scheme 2023. Collection method: clinical testing. Allele origin: germline.
Comment: The p.D140N variant (also known as c.418G>A), located in coding exon 2 of the MYH11 gene, results from a G to A substitution at nucleotide position 418. The aspartic acid at codon 140 is replaced by asparagine, an amino acid with highly similar properties. This variant has been reported in a subject with features of osteogenesis imperfecta and a family history of thoracic aortic aneurysm and dissection, who also carried a frameshift alteration in COL1A1 (Balasubramanian M et al. Bone, 2019 Apr;121:191-195). This amino acid position is not well conserved in available vertebrate species. In addition, this alteration is predicted to be tolerated by in silico analysis. Based on the available evidence, the clinical significance of this variant remains unclear.

All of Us Research Program, National Institutes of Health
Classification: Uncertain significance for Familial thoracic aortic aneurysm and aortic dissection. Last evaluated: 2024-07-29. Review status: criteria provided, single submitter. Criteria: ACMG Guidelines, 2015. Collection method: clinical testing. Allele origin: germline. Inheritance: Autosomal dominant inheritance. Observed: 9 variant alleles, 9 heterozygotes.
Comment: This missense variant replaces aspartic acid with asparagine at codon 140 of the MYH11 protein. Computational prediction suggests that this variant may not impact protein structure and function (internally defined REVEL score threshold <= 0.5, PMID: 27666373). To our knowledge, functional studies have not been reported for this variant. This variant has been reported in an individual affected with osteogenesis imperfecta (PMID: 30684648). The individual's sister, niece and father were also diagnosed with osteogenesis imperfecta, and father was also affected with aortic dissection. This variant has been identified in 3/282890 chromosomes in the general population by the Genome Aggregation Database (gnomAD). The available evidence is insufficient to determine the role of this variant in disease conclusively. Therefore, this variant is classified as a Variant of Uncertain Significance.

This study involves interpretation of variants in research participants for the purpose of population health screening. Participant phenotype was not available at the time of variant classification. Additional details can be found in publication PMID: 35346344, PMCID: PMC8962531

Color Diagnostics, LLC DBA Color Health
Classification: Uncertain significance for Familial thoracic aortic aneurysm and aortic dissection. Last evaluated: 2024-07-12. Review status: criteria provided, single submitter. Criteria: ACMG Guidelines, 2015. Collection method: clinical testing. Allele origin: germline.
Comment: This missense variant replaces aspartic acid with asparagine at codon 140 of the MYH11 protein. Computational prediction tools indicate that this variant has a neutral impact on protein structure and function. To our knowledge, functional studies have not been reported for this variant. This variant has been reported in an individual affected with osteogenesis imperfecta (PMID: 30684648). The individual's sibling, parent and another relative were also diagnosed with osteogenesis imperfecta, and the parent was also affected with aortic dissection. This variant has been identified in 3/282890 chromosomes in the general population by the Genome Aggregation Database (gnomAD). The available evidence is insufficient to determine the role of this variant in disease conclusively. Therefore, this variant is classified as a Variant of Uncertain Significance.

Fulgent Genetics
Classification: Uncertain significance for Aortic aneurysm, familial thoracic 4; Visceral myopathy 2; Megacystis-microcolon-intestinal hypoperistalsis syndrome 2. Last evaluated: 2021-12-28. Review status: criteria provided, single submitter. Criteria: ACMG Guidelines, 2015. Collection method: clinical testing. Allele origin: unknown.

GeneDx
Classification: Uncertain significance. Last evaluated: 2017-04-11. Review status: criteria provided, single submitter. Criteria: GeneDx Variant Classification (06012015). Collection method: clinical testing. Allele origin: germline. Affected: yes.
Comment: A variant of uncertain significance has been identified in the MYH11 gene. The D140N variant has not been published as pathogenic or been reported as benign to our knowledge. This variant is not observed in large population cohorts (Lek et al., 2016; 1000 Genomes Consortium et al., 2015; Exome Variant Server). The D140N variant is a semi-conservative amino acid substitution, which may impact secondary protein structure as these residues differ in some properties. However, this substitution occurs at a position where amino acids with similar properties to aspartic acid are tolerated across species. Finally, in silico analysis is inconsistent in its predictions as to whether or not the variant is damaging to the protein structure/function.

Literature cited by the submitters: PubMed 30684648 (cited by 3 submitters).